The following is an entry in ClinVar:

NM_007294.4(BRCA1):c.3756G>C (p.Leu1252=)

Genes: BRCA1 (BRCA1 DNA repair associated; minus strand), LOC126862571 (BRD4-independent group 4 enhancer GRCh37_chr17:41243136-41244335; plus strand). Cytogenetic location: 17q21.31.
Variant type: single nucleotide variant.
Coding change: c.3756G>C on transcript NM_007294.4 (MANE Select); coding-DNA position 3756, G replaced by C.
Protein change: p.Leu1252=; no amino-acid change (leucine 1252 retained).
Molecular consequence: synonymous variant. On other transcripts: intron variant (135).
Genome position (GRCh38, 1-based): chr17:43,091,775, C>G on the plus strand (G>C on the coding strand, the complement: BRCA1 is on the minus strand). VCF-style: chr17-43091775-C-G. GRCh37 (hg19) VCF-style: chr17-41243792-C-G.
Other names: c.3633G>C, p.Leu1211= (NM_001407682.1, NM_001407683.1, NM_001407648.1 and 19 more transcripts); c.3756G>C, p.Leu1252= (NM_001407684.1, NM_001407581.1, NM_001407582.1 and 30 more transcripts); c.3543G>C, p.Leu1181= (NM_001407571.1, NM_001407853.1, NM_001407894.1 and 9 more transcripts); c.3630G>C, p.Leu1210= (NM_001407685.1, NM_001407686.1, NM_001407687.1 and 11 more transcripts); c.3753G>C, p.Leu1251= (NM_001407587.1, NM_001407590.1, NM_001407591.1 and 22 more transcripts); c.3615G>C, p.Leu1205= (NM_001407692.1, NM_001407694.1, NM_001407695.1 and 29 more transcripts); c.3612G>C, p.Leu1204= (NM_001407740.1, NM_001407741.1, NM_001407742.1 and 20 more transcripts); c.3747G>C, p.Leu1249= (NM_001407646.1, NM_001407647.1); and 41 more.
Identifiers: ClinVar variation 427313 (VCV000427313.21), dbSNP rs752122039, ClinGen allele CA059211.

ClinVar aggregate classification (germline): Likely benign. Review status: reviewed by expert panel (3 of 4 stars). 4 submissions from 4 submitters: Likely benign (1). 3 of the submissions do not count toward it. Last evaluated 2017-06-29.

Conditions:
Hereditary breast ovarian cancer syndrome. Also called: Hereditary breast and ovarian cancer syndrome (HBOC); BRCA1- and BRCA2-Associated Hereditary Breast and Ovarian Cancer; Hereditary breast and/or ovarian cancer syndrome; Hereditary breast and ovarian cancer syndrome; Hereditary breast and ovarian cancer; Breast and ovarian cancer. Identifiers: Orphanet 145, MedGen C0677776, MeSH D061325, MONDO:0003582. Disease mechanism: loss of function.
Hereditary cancer-predisposing syndrome. Also called: Neoplastic Syndromes, Hereditary; Hereditary neoplastic syndrome; Tumor predisposition; Hereditary Cancer Syndrome. Identifiers: Orphanet 140162, MedGen C0027672, MeSH D009386, MONDO:0015356.
Breast-ovarian cancer, familial, susceptibility to, 1 (BROVCA1). Also called: BRCA1 Hereditary Breast and Ovarian Cancer; OVARIAN CANCER, SUSCEPTIBILITY TO. Identifiers: Orphanet 145, MedGen C2676676, MONDO:0011450, OMIM 604370. Disease mechanism: loss of function.

Allele frequency attached by ClinVar (database versions not stated): gnomAD exomes 0.00001; ExAC 0.00002.
gnomAD v4.1: 10 of 1,614,138 alleles (0.00062%); highest among the groups gnomAD compares: African/African-American, 0.0013%; no homozygotes.

Submissions (4):

Evidence-based Network for the Interpretation of Germline Mutant Alleles (ENIGMA)
Classification: Likely benign for Breast-ovarian cancer, familial, susceptibility to, 1. Last evaluated: 2017-06-29. Review status: reviewed by expert panel. Criteria: ENIGMA BRCA1/2 Classification Criteria (2017-06-29). Collection method: curation. Allele origin: germline.
Comment: Synonymous substitution variant, with low bioinformatic likelihood to result in a splicing aberration (Splicing prior probability 0.02).

Labcorp Genetics (formerly Invitae), Labcorp
Classification: Likely benign for Hereditary breast ovarian cancer syndrome. Last evaluated: 2025-08-05. Review status: criteria provided, single submitter. Criteria: Invitae Variant Classification Sherloc (09022015). Collection method: clinical testing. Allele origin: germline. Not counted in ClinVar's aggregate classification.

Color Diagnostics, LLC DBA Color Health
Classification: Likely benign for Hereditary cancer-predisposing syndrome. Last evaluated: 2018-02-16. Review status: criteria provided, single submitter. Criteria: ACMG Guidelines, 2015. Collection method: clinical testing. Allele origin: germline. Not counted in ClinVar's aggregate classification.

Ambry Genetics
Classification: Likely benign for Hereditary cancer-predisposing syndrome. Last evaluated: 2015-04-16. Review status: criteria provided, single submitter. Criteria: Ambry Variant Classification Scheme 2023. Collection method: clinical testing. Allele origin: germline. Not counted in ClinVar's aggregate classification.